The following is an entry in ClinVar:

ClinVar aggregate classification (germline): Uncertain significance (1 of 4 stars; one submission).

Submission:

Labcorp Genetics (formerly Invitae), Labcorp
Classification: Uncertain significance. Last evaluated: 2024-04-29. Review status: criteria provided, single submitter. Criteria: Invitae Variant Classification Sherloc (09022015). Collection method: clinical testing. Allele origin: germline.
Comment: This sequence change replaces isoleucine, which is neutral and non-polar, with threonine, which is neutral and polar, at codon 1843 of the CACNA1D protein (p.Ile1843Thr). This variant is not present in population databases (gnomAD no frequency). This variant has not been reported in the literature in individuals affected with CACNA1D-related conditions. An algorithm developed to predict the effect of missense changes on protein structure and function (PolyPhen-2) suggests that this variant is likely to be tolerated. In summary, the available evidence is currently insufficient to determine the role of this variant in disease. Therefore, it has been classified as a Variant of Uncertain Significance.

NM_001128840.3(CACNA1D):c.5468T>C (p.Ile1823Thr)

Gene: CACNA1D (calcium voltage-gated channel subunit alpha1 D; plus strand). Cytogenetic location: 3p21.1.
Variant type: single nucleotide variant.
Coding change: c.5468T>C on transcript NM_001128840.3 (MANE Select); coding-DNA position 5468, T replaced by C.
Protein change: p.Ile1823Thr; replaces isoleucine 1823 with threonine.
Molecular consequence: missense variant.
Genome position (GRCh38, 1-based): chr3:53,803,455, T>C. VCF-style: chr3-53803455-T-C. GRCh37 (hg19) VCF-style: chr3-53837482-T-C.
Other names: c.5528T>C, p.Ile1843Thr (NM_000720.4); c.5396T>C, p.Ile1799Thr (NM_001128839.3); short protein forms I1823T, I1799T, I1843T.
Identifiers: ClinVar variation 3651562 (VCV003651562.2).
Genomic context (GRCh38, chr3:53,803,455, plus strand): 5'-GTTCTCAGATCCTCTCTCCCAACTGCAGGTCCGACTCAGGAGATGAACAGCTCCCAACTA[T>C]TTGCCGGGAAGACCCAGAGATACATGGCTATTTCAGGGACCCCCACTGCTTGGGGGAGCA-3'
Protein context (NP_001122312.1, residues 1813-1833): SDSGDEQLPT[Ile1823Thr]CREDPEIHGY